The following is an entry in ClinVar:

ClinVar aggregate classification (germline): Conflicting classifications of pathogenicity. Review status: criteria provided, conflicting classifications (1 of 4 stars). 5 submissions from 5 submitters: Uncertain significance (1); Likely benign (3). 1 of the submissions does not count toward it. Last evaluated 2026-07-21.

Conditions:
DiGeorge syndrome. Also called: Catch22; THIRD AND FOURTH PHARYNGEAL POUCH SYNDROME. Identifiers: Orphanet 567, MedGen C0012236, MONDO:0008564, OMIM 188400.
TBX1-related disorder. Also called: TBX1-Related Disorders; TBX1-related condition.
Cardiovascular phenotype. Identifiers: MedGen CN230736.

Submissions (5):

GeneDx
Classification: Uncertain significance. Last evaluated: 2026-07-21. Review status: criteria provided, single submitter. Criteria: GeneDx Variant Classification Process June 2021. Collection method: clinical testing. Allele origin: germline.
Comment: Reported in a patient with congenital heart defect in published literature (PMID: 33995479); In-frame duplication of 4 amino acids in a non-repeat region; This variant is associated with the following publications: (PMID: 33995479)

Labcorp Genetics (formerly Invitae), Labcorp
Classification: Likely benign for DiGeorge syndrome. Last evaluated: 2026-01-15. Review status: criteria provided, single submitter. Criteria: Invitae Variant Classification Sherloc (09022015). Collection method: clinical testing. Allele origin: germline.

Blueprint Genetics
Classification: Likely benign. Last evaluated: 2024-10-09. Review status: criteria provided, single submitter. Criteria: ACMG Guidelines, 2015. Collection method: clinical testing. Allele origin: germline.

Ambry Genetics
Classification: Likely benign for Cardiovascular phenotype. Last evaluated: 2021-09-30. Review status: criteria provided, single submitter. Criteria: Ambry Variant Classification Scheme 2023. Collection method: clinical testing. Allele origin: germline.

PreventionGenetics, part of Exact Sciences
Classification: Likely benign for TBX1-related condition. Last evaluated: 2024-07-05. Review status: no assertion criteria provided. Collection method: clinical testing. Allele origin: germline. Not counted in ClinVar's aggregate classification.
Comment: This variant is classified as likely benign based on ACMG/AMP sequence variant interpretation guidelines (Richards et al. 2015 PMID: 25741868, with internal and published modifications).

NM_001379200.1(TBX1):c.1368_1379dup (p.Ala459_His462dup)

Gene: TBX1 (T-box transcription factor 1; plus strand). Cytogenetic location: 22q11.21.
Variant type: Duplication.
Coding change: c.1368_1379dup on transcript NM_001379200.1 (MANE Select); coding-DNA positions 1368 to 1379, 12 bases duplicated (CCCGCACGCGCA).
Protein change: p.Ala459_His462dup.
Molecular consequence: inframe insertion. On other transcripts: intron variant (2).
Genome position (GRCh38, 1-based): chr22:19,766,720-19,766,731, CCCGCACGCGCA duplicated; duplicating any 12 consecutive bases within chr22:19,766,718-19,766,731 gives the same sequence; the c. name uses the placement nearest the transcript's 3' end. VCF-style (leftmost placement, unchanged base first): chr22-19766717-C-CCACCCGCACGCG. GRCh37 (hg19) VCF-style: chr22-19754240-C-CCACCCGCACGCG.
Other names: c.1341_1352dupCCCGCACGCGCA (NM_080647.1); c.1341_1352dup12 (NM_080647.1); c.1341_1352dup, p.Ala450_His453dup (NM_080647.1); c.1009+718_1009+729dup (NM_005992.1, NM_080646.2).
Identifiers: ClinVar variation 695634 (VCV000695634.23), dbSNP rs774578030, ClinGen allele CA10102724.